The following is an entry in ClinVar:

ClinVar aggregate classification (germline): Uncertain significance (1 of 4 stars; one submission).

Conditions:
Hypertrophic cardiomyopathy. Also called: HYPERTROPHIC MYOCARDIOPATHY. Identifiers: Orphanet 217569, MedGen C0007194, MeSH D002312, MONDO:0005045, HP:0001639.
Primary dilated cardiomyopathy (DCM). Also called: Dilated Cardiomyopathy. Identifiers: Orphanet 217604, MedGen C0007193, MeSH D002311, MONDO:0005021, HP:0001644. Inheritance: Various modes of inheritance.

Allele frequency attached by ClinVar (database versions not stated): TOPMed below 0.00001; gnomAD 0.00001.
gnomAD v4.1: 1 of 1,614,092 alleles (0.000062%); highest among the groups gnomAD compares: Non-Finnish European, 0.000085%; no homozygotes.

Submission:

Labcorp Genetics (formerly Invitae), Labcorp
Classification: Uncertain significance for Hypertrophic cardiomyopathy; Primary dilated cardiomyopathy. Last evaluated: 2022-08-16. Review status: criteria provided, single submitter. Criteria: Invitae Variant Classification Sherloc (09022015). Collection method: clinical testing. Allele origin: germline.
Comment: This sequence change replaces lysine, which is basic and polar, with asparagine, which is neutral and polar, at codon 118 of the PDLIM3 protein (p.Lys118Asn). In summary, the available evidence is currently insufficient to determine the role of this variant in disease. Therefore, it has been classified as a Variant of Uncertain Significance. Algorithms developed to predict the effect of missense changes on protein structure and function are either unavailable or do not agree on the potential impact of this missense change (SIFT: "Deleterious"; PolyPhen-2: "Benign"; Align-GVGD: "Class C0"). ClinVar contains an entry for this variant (Variation ID: 1005281). This variant has not been reported in the literature in individuals affected with PDLIM3-related conditions. This variant is not present in population databases (gnomAD no frequency).

NM_014476.6(PDLIM3):c.354G>C (p.Lys118Asn)

Genes: PDLIM3 (PDZ and LIM domain 3; minus strand), LOC126807246 (BRD4-independent group 4 enhancer GRCh37_chr4:186434842-186436041; plus strand). Cytogenetic location: 4q35.1.
Variant type: single nucleotide variant.
Coding change: c.354G>C on transcript NM_014476.6 (MANE Select); coding-DNA position 354, G replaced by C.
Protein change: p.Lys118Asn; replaces lysine 118 with asparagine.
Molecular consequence: missense variant. On other transcripts: intron variant (1).
Genome position (GRCh38, 1-based): chr4:185,514,314, C>G on the plus strand (G>C on the coding strand, the complement: PDLIM3 is on the minus strand). VCF-style: chr4-185514314-C-G. GRCh37 (hg19) VCF-style: chr4-186435468-C-G.
Other names: c.354G>C, p.Lys118Asn (NM_001257962.2); c.117G>C, p.Lys39Asn (NM_001257963.2); c.518+389G>C (NM_001114107.5); short protein forms K118N, K39N.
Identifiers: ClinVar variation 1005281 (VCV001005281.9), dbSNP rs1295481759, ClinGen allele CA358924990.
Genomic context (GRCh38, chr4:185,514,314, plus strand): 5'-TCTCAGCGCTTATGACCTGCTTCGGCCCGGGATCACGAAAGGTTTGGGCCGAATATTATG[C>G]TTGTGTTCAAAGTAGTTCCCGTCCTGTGAAAACAAAGCGTTAAAAAGGCCCTCAGTGGAA-3'
Protein context (NP_055291.2, residues 108-128): EPQDGNYFEH[Lys118Asn]HNIRPKPFVI